The following is an entry in ClinVar:

ClinVar aggregate classification (germline): Uncertain significance (1 of 4 stars; one submission).

Conditions:
Hereditary spastic paraplegia 11. Also called: SPASTIC PARAPLEGIA, AUTOSOMAL RECESSIVE, COMPLICATED, WITH THIN CORPUS CALLOSUM; SPASTIC PARAPLEGIA, AUTOSOMAL RECESSIVE, WITH MENTAL IMPAIRMENT AND THIN CORPUS CALLOSUM; Spastic paraplegia, mental retardation and thin corpus callosum; Spastic Paraplegia 11; Nakamura Osame syndrome; Autosomal recessive hereditary spastic paraplegia, mental impairment, and thin corpus callosum. Identifiers: Orphanet 2822, MedGen C1858479, MONDO:0011445, OMIM 604360.

Allele frequency attached by ClinVar (database versions not stated): gnomAD exomes below 0.00001.
gnomAD v4.1: 2 of 1,614,200 alleles (0.00012%); highest among the groups gnomAD compares: Non-Finnish European, 0.00017%; no homozygotes.

Submission:

Labcorp Genetics (formerly Invitae), Labcorp
Classification: Uncertain significance for Hereditary spastic paraplegia 11. Last evaluated: 2024-01-15. Review status: criteria provided, single submitter. Criteria: Invitae Variant Classification Sherloc (09022015). Collection method: clinical testing. Allele origin: germline.
Comment: This sequence change replaces asparagine, which is neutral and polar, with lysine, which is basic and polar, at codon 1409 of the SPG11 protein (p.Asn1409Lys). This variant is present in population databases (no rsID available, gnomAD 0.0009%). This variant has not been reported in the literature in individuals affected with SPG11-related conditions. ClinVar contains an entry for this variant (Variation ID: 1447642). Advanced modeling of protein sequence and biophysical properties (such as structural, functional, and spatial information, amino acid conservation, physicochemical variation, residue mobility, and thermodynamic stability) performed at Invitae indicates that this missense variant is not expected to disrupt SPG11 protein function with a negative predictive value of 80%. In summary, the available evidence is currently insufficient to determine the role of this variant in disease. Therefore, it has been classified as a Variant of Uncertain Significance.

NM_025137.4(SPG11):c.4227C>G (p.Asn1409Lys)

Genes: SPG11 (SPG11 vesicle trafficking associated, spatacsin; minus strand), LOC130056973 (ATAC-STARR-seq lymphoblastoid active region 9341; plus strand). Cytogenetic location: 15q21.1.
Variant type: single nucleotide variant.
Coding change: c.4227C>G on transcript NM_025137.4 (MANE Select); coding-DNA position 4227, C replaced by G.
Protein change: p.Asn1409Lys; replaces asparagine 1409 with lysine.
Molecular consequence: missense variant.
Genome position (GRCh38, 1-based): chr15:44,596,290, G>C on the plus strand (C>G on the coding strand, the complement: SPG11 is on the minus strand). VCF-style: chr15-44596290-G-C. GRCh37 (hg19) VCF-style: chr15-44888488-G-C.
Other names: c.4227C>G, p.Asn1409Lys (NM_001160227.2); short protein forms N1409K.
Identifiers: ClinVar variation 1447642 (VCV001447642.6), dbSNP rs1377515652, ClinGen allele CA392228307.